The following is an entry in ClinVar:

ClinVar aggregate classification (germline): Likely benign (1 of 4 stars; one submission).

Submission:

GeneDx
Classification: Likely benign. Last evaluated: 2018-06-14. Review status: criteria provided, single submitter. Criteria: GeneDx Variant Classification (06012015). Collection method: clinical testing. Allele origin: germline. Affected: yes.
Comment: This variant is considered likely benign or benign based on one or more of the following criteria: it is a conservative change, it occurs at a poorly conserved position in the protein, it is predicted to be benign by multiple in silico algorithms, and/or has population frequency not consistent with disease.

NM_020822.3(KCNT1):c.2350-24_2350-13del

Gene: KCNT1 (potassium sodium-activated channel subfamily T member 1; plus strand). Cytogenetic location: 9q34.3.
Variant type: Microsatellite.
Coding change: c.2350-24_2350-13del on transcript NM_020822.3 (MANE Select); 24 bases into the intron before coding-DNA position 2350 through 13 bases into the intron before coding-DNA position 2350, 12 bases deleted (CCTGACTCCAGC).
Molecular consequence: intron variant.
Genome position (GRCh38, 1-based): chr9:135,777,314-135,777,325, CCTGACTCCAGC deleted; deleting any 12 consecutive bases within chr9:135,777,298-135,777,325 gives the same sequence; the c. name uses the placement nearest the transcript's 3' end. VCF-style (leftmost placement, unchanged base first): chr9-135777297-ACAGCCCTGACTC-A. GRCh37 (hg19) VCF-style: chr9-138669143-ACAGCCCTGACTC-A.
Other names: c.2215-24_2215-13del (NM_001272003.2).
Identifiers: ClinVar variation 682432 (VCV000682432.1), dbSNP rs374463149, ClinGen allele CA5327283.